The following is an entry in ClinVar:

ClinVar aggregate classification (germline): Likely benign (1 of 4 stars; one submission).

Conditions:
SLC4A3-related disorder. Also called: SLC4A3-related condition.

gnomAD v4.1: 211 of 1,614,186 alleles (0.013%); highest among the groups gnomAD compares: South Asian, 0.18%; 2 homozygotes.

Submission:

PreventionGenetics, part of Exact Sciences
Classification: Likely benign for SLC4A3-related condition. Last evaluated: 2026-09-17. Review status: criteria provided, single submitter. Criteria: ACMG Guidelines, 2015. Collection method: clinical testing. Allele origin: germline.
Comment: This variant is classified as likely benign based on ACMG/AMP sequence variant interpretation guidelines (Richards et al. 2015 PMID: 25741868, with internal and published modifications).

NM_005070.4(SLC4A3):c.1642G>A (p.Val548Ile)

Gene: SLC4A3 (solute carrier family 4 member 3; plus strand). Cytogenetic location: 2q35.
Variant type: single nucleotide variant.
Coding change: c.1642G>A on transcript NM_005070.4 (MANE Select); coding-DNA position 1642, G replaced by A.
Protein change: p.Val548Ile; replaces valine 548 with isoleucine.
Molecular consequence: missense variant. On other transcripts: non-coding transcript variant (1).
Genome position (GRCh38, 1-based): chr2:219,634,500, G>A. VCF-style: chr2-219634500-G-A. GRCh37 (hg19) VCF-style: chr2-220499222-G-A.
Other names: c.1723G>A, p.Val575Ile (NM_001326559.2, NM_201574.3); c.1642G>A, p.Val548Ile (NM_001438863.1); c.1048G>A, p.Val350Ile (NM_001438864.1); short protein forms V350I, V548I, V575I.
Identifiers: ClinVar variation 5001694 (VCV005001694.1).
Genomic context (GRCh38, chr2:219,634,500, plus strand): 5'-CAGCCTGCAGCAGCCTTCGTGCGTCTGAATGAGGCTGTACTCCTGGAGTCTGTGCTTGAG[G>A]TCCCTGTCCCGGTCCGCTTCCTCTTCGTGATGCTGGGGCCCAGCCACACCAGCACTGACT-3'
Protein context (NP_005061.3, residues 538-558): EAVLLESVLE[Val548Ile]PVPVRFLFVM